The following is an entry in ClinVar:

NM_006206.6(PDGFRA):c.1052A>G (p.Lys351Arg)

Gene: PDGFRA (platelet derived growth factor receptor alpha; plus strand). Cytogenetic location: 4q12.
Variant type: single nucleotide variant.
Coding change: c.1052A>G on transcript NM_006206.6 (MANE Select); coding-DNA position 1052, A replaced by G.
Protein change: p.Lys351Arg; replaces lysine 351 with arginine.
Molecular consequence: missense variant.
Genome position (GRCh38, 1-based): chr4:54,267,672, A>G. VCF-style: chr4-54267672-A-G. GRCh37 (hg19) VCF-style: chr4-55133839-A-G.
Other names: c.1052A>G, p.Lys351Arg (NM_001347827.2, NM_001347829.2); c.1127A>G, p.Lys376Arg (NM_001347828.2); c.1091A>G, p.Lys364Arg (NM_001347830.2); short protein forms K376R, K351R, K364R.
Identifiers: ClinVar variation 3416417 (VCV003416417.1).

ClinVar aggregate classification (germline): Uncertain significance (1 of 4 stars; one submission).

Conditions:
Hereditary cancer-predisposing syndrome. Also called: Neoplastic Syndromes, Hereditary; Tumor predisposition; Hereditary Cancer Syndrome; Hereditary neoplastic syndrome. Identifiers: Orphanet 140162, MedGen C0027672, MeSH D009386, MONDO:0015356.

Submission:

Ambry Genetics
Classification: Uncertain significance for Hereditary cancer-predisposing syndrome. Last evaluated: 2024-08-30. Review status: criteria provided, single submitter. Criteria: Ambry Variant Classification Scheme 2023. Collection method: clinical testing. Allele origin: germline.
Comment: The p.K351R variant (also known as c.1052A>G), located in coding exon 6 of the PDGFRA gene, results from an A to G substitution at nucleotide position 1052. The lysine at codon 351 is replaced by arginine, an amino acid with highly similar properties. This amino acid position is conserved. In addition, the in silico prediction for this alteration is inconclusive. Based on the available evidence, the clinical significance of this variant remains unclear.